The following is an entry in ClinVar:

ClinVar aggregate classification (germline): Pathogenic (1 of 4 stars; one submission).

Conditions:
Hereditary factor XI deficiency disease. Also called: PLASMA THROMBOPLASTIN ANTECEDENT DEFICIENCY; PTA DEFICIENCY; ROSENTHAL SYNDROME; Congenital factor XI deficiency. Identifiers: Orphanet 329, MedGen C0015523, MeSH D005173, MONDO:0012897, OMIM 612416.

Submission:

Myriad Genetics, Inc.
Classification: Pathogenic for Hereditary factor XI deficiency disease. Last evaluated: 2024-05-14. Review status: criteria provided, single submitter. Criteria: Myriad Autosomal Dominant, Autosomal Recessive and X-Linked Classification Criteria (2023). Collection method: clinical testing. Allele origin: unknown.
Comment: NM_000128.3(F11):c.1230delC(T411Lfs*17) is expected to be pathogenic in the context of factor XI deficiency. This variant is predicted to lead to an abnormal or absent protein product due to the creation of a premature termination codon in F11, a gene where loss-of-function variants are known to be pathogenic. Please note: this variant was assessed in the context of healthy population screening.

NM_000128.4(F11):c.1230del (p.Thr411fs)

Gene: F11 (coagulation factor XI; plus strand). Cytogenetic location: 4q35.2.
Variant type: Deletion.
Coding change: c.1230del on transcript NM_000128.4 (MANE Select); coding-DNA position 1230, one base deleted (C; older notation c.1230delC).
Protein change: p.Thr411fs; shifts the reading frame from threonine 411.
Molecular consequence: frameshift variant.
Genome position (GRCh38, 1-based): chr4:186,284,186, C deleted; the last of 3 consecutive C bases (chr4:186,284,184-186,284,186); deleting any one gives the same sequence. VCF-style (leftmost placement, unchanged base first): chr4-186284183-AC-A. GRCh37 (hg19) VCF-style: chr4-187205337-AC-A.
Other names: c.1182del, p.Thr395fs (NM_001440590.1, NM_001440596.1); c.1230del, p.Thr411fs (NM_001440593.1); c.960del, p.Thr321fs (NM_001440605.1, NM_001440607.1); c.912del, p.Thr305fs (NM_001440606.1, NM_001440608.1); short protein forms T305fs, T321fs, T395fs, T411fs.
Identifiers: ClinVar variation 5013056 (VCV005013056.1).
Genomic context (GRCh38, chr4:186,284,183, plus strand): 5'-TGGAGGAACTGCGTCTGTTCGTGGTGAGTGGCCGTGGCAGGTGACCCTGCACACAACCTC[AC>A]CCACTCAGAGACACCTGTGTGGAGGCTCCATCATTGGAAACCAGTGGATATTAACAGCCG-3'